The following is an entry in ClinVar:

ClinVar aggregate classification (germline): Uncertain significance (1 of 4 stars; one submission).

Conditions:
Cardiovascular phenotype. Identifiers: MedGen CN230736.

gnomAD v4.1: 3 of 1,611,966 alleles (0.00019%); highest among the groups gnomAD compares: Non-Finnish European, 0.00025%; no homozygotes.

Submission:

Ambry Genetics
Classification: Uncertain significance for Cardiovascular phenotype. Last evaluated: 2026-04-09. Review status: criteria provided, single submitter. Criteria: Ambry Variant Classification Scheme 2023. Collection method: clinical testing. Allele origin: germline.
Comment: The p.E175G variant (also known as c.524A>G), located in coding exon 4 of the KRAS gene, results from an A to G substitution at nucleotide position 524. The glutamic acid at codon 175 is replaced by glycine, an amino acid with similar properties. This amino acid position is conserved. In addition, this alteration is predicted to be tolerated by in silico analysis. Based on the available evidence, the clinical significance of this variant remains unclear.

NM_033360.4(KRAS):c.524A>G (p.Glu175Gly)

Gene: KRAS (KRas proto-oncogene, GTPase; minus strand). Cytogenetic location: 12p12.1.
Variant type: single nucleotide variant.
Coding change: c.524A>G on transcript NM_033360.4 (MANE Plus Clinical); coding-DNA position 524, A replaced by G.
Protein change: p.Glu175Gly; replaces glutamic acid 175 with glycine.
Molecular consequence: missense variant. On other transcripts: intron variant (2).
Genome position (GRCh38, 1-based): chr12:25,215,487, T>C on the plus strand (A>G on the coding strand, the complement: KRAS is on the minus strand). VCF-style: chr12-25215487-T-C. GRCh37 (hg19) VCF-style: chr12-25368421-T-C.
Other names: c.524A>G, p.Glu175Gly (NM_001369786.1); c.451-5576A>G (NM_001369787.1, NM_004985.5); short protein forms E175G.
Identifiers: ClinVar variation 4859022 (VCV004859022.1).
Genomic context (GRCh38, chr12:25,215,487, plus strand): 5'-TTAAACTTACCAGATTACATTATAATGCATTTTTTAATTTTCACACAGCCAGGAGTCTTT[T>C]CTTCTTTGCTGATTTTTTTCAATCTGTATTGTCGGATCTCTCTCACCAATGTATAAAAAG-3'
Protein context (NP_203524.1, residues 165-185): QYRLKKISKE[Glu175Gly]KTPGCVKIKK